The following is an entry in ClinVar:

NM_015629.4(PRPF31):c.557G>A (p.Arg186Gln)

Gene: PRPF31 (pre-mRNA processing factor 31; plus strand). Cytogenetic location: 19q13.42.
Variant type: single nucleotide variant.
Coding change: c.557G>A on transcript NM_015629.4 (MANE Select); coding-DNA position 557, G replaced by A.
Protein change: p.Arg186Gln; replaces arginine 186 with glutamine.
Molecular consequence: missense variant.
Genome position (GRCh38, 1-based): chr19:54,123,778, G>A. VCF-style: chr19-54123778-G-A. GRCh37 (hg19) VCF-style: chr19-54627157-G-A.
Other names: short protein forms R186Q.
Identifiers: ClinVar variation 892668 (VCV000892668.12), dbSNP rs776437225, ClinGen allele CA309325121.

ClinVar aggregate classification (germline): Uncertain significance. Review status: criteria provided, multiple submitters, no conflicts (2 of 4 stars). 3 submissions from 3 submitters: Uncertain significance (3). Last evaluated 2025-11-24.

Conditions:
Retinitis pigmentosa (RP). Identifiers: Orphanet 791, MedGen C0035334, MeSH D012174, MONDO:0019200, OMIM 268000. Inheritance: Autosomal dominant, autosomal recessive and X linked inheritance.

Allele frequency attached by ClinVar (database versions not stated): ExAC 0.00002; gnomAD exomes 0.00002; gnomAD 0.00003; TOPMed 0.00003.
gnomAD v4.1: 29 of 1,610,824 alleles (0.0018%); highest among the groups gnomAD compares: Non-Finnish European, 0.0024%; no homozygotes.

Submissions (3):

Labcorp Genetics (formerly Invitae), Labcorp
Classification: Uncertain significance. Last evaluated: 2025-11-24. Review status: criteria provided, single submitter. Criteria: Invitae Variant Classification Sherloc (09022015). Collection method: clinical testing. Allele origin: germline.
Comment: This sequence change replaces arginine, which is basic and polar, with glutamine, which is neutral and polar, at codon 186 of the PRPF31 protein (p.Arg186Gln). This variant is present in population databases (rs776437225, gnomAD 0.002%). This variant has not been reported in the literature in individuals affected with PRPF31-related conditions. ClinVar contains an entry for this variant (Variation ID: 892668). An algorithm developed to predict the effect of missense changes on protein structure and function (PolyPhen-2) suggests that this variant is likely to be tolerated. In summary, the available evidence is currently insufficient to determine the role of this variant in disease. Therefore, it has been classified as a Variant of Uncertain Significance.

Blueprint Genetics
Classification: Uncertain significance. Last evaluated: 2023-10-27. Review status: criteria provided, single submitter. Criteria: ACMG Guidelines, 2015. Collection method: clinical testing. Allele origin: germline.

Illumina Laboratory Services, Illumina
Classification: Uncertain significance for Retinitis pigmentosa. Last evaluated: 2017-04-28. Review status: criteria provided, single submitter. Criteria: ICSL Variant Classification Criteria 13 December 2019. Collection method: clinical testing. Allele origin: germline.